The following is an entry in ClinVar:

ClinVar aggregate classification (germline): Uncertain significance. Review status: criteria provided, multiple submitters, no conflicts (2 of 4 stars). 5 submissions from 5 submitters: Uncertain significance (4). 1 of the submissions does not count toward it. Last evaluated 2024-01-17.

Conditions:
Kartagener syndrome (CILD1). Also called: CILIARY DYSKINESIA, PRIMARY, 1, WITH OR WITHOUT SITUS INVERSUS; IMMOTILE CILIA SYNDROME; SIEWERT SYNDROME; POLYNESIAN BRONCHIECTASIS; CILIARY DYSKINESIA, PRIMARY, 1; Dextrocardia bronchiectasis and sinusitis. Identifiers: Orphanet 244, MedGen C4551906, MONDO:0009484, OMIM 244400.
Primary ciliary dyskinesia. Also called: Ciliary dyskinesia. Identifiers: Orphanet 244, MedGen C0008780, MONDO:0016575, HP:0012265.

Allele frequency attached by ClinVar (database versions not stated): ExAC 0.00002; gnomAD 0.00002 and 0.00001; ESP Exome Variant Server 0.00008; gnomAD exomes 0.00001; TOPMed 0.00001.
gnomAD v4.1: 25 of 1,613,852 alleles (0.0015%); highest among the groups gnomAD compares: Middle Eastern, 0.017%; no homozygotes.

Submissions (5):

Labcorp Genetics (formerly Invitae), Labcorp
Classification: Uncertain significance for Primary ciliary dyskinesia. Last evaluated: 2024-01-17. Review status: criteria provided, single submitter. Criteria: Invitae Variant Classification Sherloc (09022015). Collection method: clinical testing. Allele origin: germline.
Comment: This sequence change replaces arginine, which is basic and polar, with glutamine, which is neutral and polar, at codon 120 of the DNAI1 protein (p.Arg120Gln). This variant is present in population databases (rs375547221, gnomAD 0.007%). This variant has not been reported in the literature in individuals affected with DNAI1-related conditions. ClinVar contains an entry for this variant (Variation ID: 366685). Advanced modeling of protein sequence and biophysical properties (such as structural, functional, and spatial information, amino acid conservation, physicochemical variation, residue mobility, and thermodynamic stability) has been performed at Invitae for this missense variant, however the output from this modeling did not meet the statistical confidence thresholds required to predict the impact of this variant on DNAI1 protein function. In summary, the available evidence is currently insufficient to determine the role of this variant in disease. Therefore, it has been classified as a Variant of Uncertain Significance.

Ambry Genetics
Classification: Uncertain significance for Primary ciliary dyskinesia. Last evaluated: 2023-03-20. Review status: criteria provided, single submitter. Criteria: Ambry Variant Classification Scheme 2023. Collection method: clinical testing. Allele origin: germline.

Genome-Nilou Lab
Classification: Uncertain significance for Kartagener syndrome. Last evaluated: 2021-07-14. Review status: criteria provided, single submitter. Criteria: ACMG Guidelines, 2015. Collection method: clinical testing. Allele origin: germline. Affected: no.

Illumina Laboratory Services, Illumina
Classification: Uncertain significance for Kartagener syndrome. Last evaluated: 2018-01-12. Review status: criteria provided, single submitter. Criteria: ICSL Variant Classification Criteria 13 December 2019. Collection method: clinical testing. Allele origin: germline.

Natera, Inc.
Classification: Uncertain significance for Primary ciliary dyskinesia. Last evaluated: 2019-11-11. Review status: no assertion criteria provided. Collection method: clinical testing. Allele origin: germline. Not counted in ClinVar's aggregate classification.

NM_012144.4(DNAI1):c.359G>A (p.Arg120Gln)

Gene: DNAI1 (dynein axonemal intermediate chain 1; plus strand). Cytogenetic location: 9p13.3.
Variant type: single nucleotide variant.
Coding change: c.359G>A on transcript NM_012144.4 (MANE Select); coding-DNA position 359, G replaced by A.
Protein change: p.Arg120Gln; replaces arginine 120 with glutamine.
Molecular consequence: missense variant.
Genome position (GRCh38, 1-based): chr9:34,489,420, G>A. VCF-style: chr9-34489420-G-A. GRCh37 (hg19) VCF-style: chr9-34489418-G-A.
Other names: c.359G>A (NM_012144.2); c.359G>A, p.Arg120Gln (NM_001281428.2); short protein forms R120Q.
Identifiers: ClinVar variation 366685 (VCV000366685.23), dbSNP rs375547221, ClinGen allele CA5034022.